The following is an entry in ClinVar:

ClinVar aggregate classification (germline): Likely benign (1 of 4 stars; one submission).

Conditions:
Frontotemporal dementia and/or amyotrophic lateral sclerosis 1 (FTDALS1). Also called: C9orf72 Frontotemporal Dementia and/or Amyotrophic Lateral Sclerosis; Frontotemporal dementia with motor neuron disease 1. Identifiers: Orphanet 275872, MedGen C5779877, MONDO:0007105, OMIM 105550.

Allele frequency attached by ClinVar (database versions not stated): 1000 Genomes Project 0.00120; 1000 Genomes Project 30x 0.00187; gnomAD 0.00188 and 0.00205; TOPMed 0.00199.
gnomAD v4.1: 286 of 152,704 alleles (0.19%); highest among the groups gnomAD compares: African/African-American, 0.66%; 2 homozygotes.

Submission:

Illumina Laboratory Services, Illumina
Classification: Likely benign for Frontotemporal dementia and/or amyotrophic lateral sclerosis 1. Last evaluated: 2018-01-13. Review status: criteria provided, single submitter. Criteria: ICSL Variant Classification Criteria 13 December 2019. Collection method: clinical testing. Allele origin: germline.
Comment: This variant was observed in the ICSL laboratory as part of a predisposition screen in an ostensibly healthy population. It had not been previously curated by ICSL or reported in the Human Gene Mutation Database (HGMD: prior to June 1st, 2018), and was therefore a candidate for classification through an automated scoring system. Utilizing variant allele frequency, disease prevalence and penetrance estimates, and inheritance mode, an automated score was calculated to assess if this variant is too frequent to cause the disease. Based on the score and internal cut-off values, a variant classified as likely benign is not then subjected to further curation. The score for this variant resulted in a classification of likely benign for this disease.

NM_018325.5(C9orf72):c.*1214T>C

Gene: C9orf72 (C9orf72-SMCR8 complex subunit; minus strand). Cytogenetic location: 9p21.2.
Variant type: single nucleotide variant.
Coding change: c.*1214T>C on transcript NM_018325.5 (MANE Select); 1214 bases downstream of the stop codon, T replaced by C.
Molecular consequence: 3 prime UTR variant.
Genome position (GRCh38, 1-based): chr9:27,547,022, A>G on the plus strand (T>C on the coding strand, the complement: C9orf72 is on the minus strand). VCF-style: chr9-27547022-A-G. GRCh37 (hg19) VCF-style: chr9-27547020-A-G.
Other names: c.*1214T>C (NM_001256054.3).
Identifiers: ClinVar variation 912912 (VCV000912912.4), dbSNP rs191690136, ClinGen allele CA191359046.
Genomic context (GRCh38, chr9:27,547,022, plus strand): 5'-TCCCTTTTATATTACTTCCAGAATTTTAAATAAAATATTTATTTGTGTTTGTGTAACTAC[A>G]ATGTCAACATTGTGTTAGAATTATATTAATCAGTTATTTTATAGCCAGCAAAATGGTCCA-3'